The following is an entry in ClinVar:

ClinVar aggregate classification (germline): Uncertain significance (1 of 4 stars; one submission).

Allele frequency attached by ClinVar (database versions not stated): gnomAD 0.00001; gnomAD exomes 0.00001; TOPMed 0.00002.

Submission:

Labcorp Genetics (formerly Invitae), Labcorp
Classification: Uncertain significance. Last evaluated: 2024-10-16. Review status: criteria provided, single submitter. Criteria: Invitae Variant Classification Sherloc (09022015). Collection method: clinical testing. Allele origin: germline.
Comment: This sequence change creates a premature translational stop signal (p.Glu456*) in the MICAL1 gene. It is expected to result in an absent or disrupted protein product. However, the current clinical and genetic evidence is not sufficient to establish whether loss-of-function variants in MICAL1 cause disease. This variant is not present in population databases (gnomAD no frequency). This variant has not been reported in the literature in individuals affected with MICAL1-related conditions. ClinVar contains an entry for this variant (Variation ID: 2070216). In summary, the available evidence is currently insufficient to determine the role of this variant in disease. Therefore, it has been classified as a Variant of Uncertain Significance.

NM_022765.4(MICAL1):c.1308dup (p.Glu437Ter)

Gene: MICAL1 (microtubule associated monooxygenase, calponin and LIM domain containing 1; minus strand). Cytogenetic location: 6q21.
Variant type: Duplication.
Coding change: c.1308dup on transcript NM_022765.4 (MANE Select); coding-DNA position 1308, one base duplicated (T; older notation c.1308dupT).
Protein change: p.Glu437Ter; replaces glutamic acid 437 with a stop codon.
Molecular consequence: nonsense.
Genome position (GRCh38, 1-based): chr6:109,449,783, A duplicated on the plus strand (T on the coding strand, the reverse complement: MICAL1 is on the minus strand). VCF-style (leftmost placement, unchanged base first): chr6-109449782-C-CA. GRCh37 (hg19) VCF-style: chr6-109770985-C-CA.
Other names: c.1050dup, p.Glu351Ter (NM_001159291.2); c.1365dup, p.Glu456Ter (NM_001286613.2); short protein forms E437*, E456*, E351*.
Identifiers: ClinVar variation 2070216 (VCV002070216.4), dbSNP rs1235896828, ClinGen allele CA817051740.